The following is an entry in ClinVar:

NM_004629.2(FANCG):c.85-2A>T

Gene: FANCG (FA complementation group G; minus strand). Cytogenetic location: 9p13.3.
Variant type: single nucleotide variant.
Coding change: c.85-2A>T on transcript NM_004629.2 (MANE Select); the canonical splice acceptor site of the intron before coding-DNA position 85, A replaced by T.
Molecular consequence: splice acceptor variant.
Genome position (GRCh38, 1-based): chr9:35,079,243, T>A on the plus strand (A>T on the coding strand, the complement: FANCG is on the minus strand). VCF-style: chr9-35079243-T-A. GRCh37 (hg19) VCF-style: chr9-35079240-T-A.
Identifiers: ClinVar variation 667395 (VCV000667395.12), dbSNP rs759590778, ClinGen allele CA5040140.

ClinVar aggregate classification (germline): Pathogenic/Likely pathogenic. Review status: criteria provided, multiple submitters, no conflicts (2 of 4 stars). 4 submissions from 4 submitters: Pathogenic (3); Likely pathogenic (1). Last evaluated 2023-09-04.

Conditions:
Fanconi anemia complementation group G. Also called: FANCG-Related Fanconi Anemia; Fanconi anemia group G. Identifiers: Orphanet 84, MedGen C3469527, MONDO:0013565, OMIM 614082.
FANCG-related disorders.
Fanconi anemia (FA). Also called: Fanconi's anemia. Identifiers: Orphanet 84, MedGen C0015625, MeSH D005199, MONDO:0019391.

Allele frequency attached by ClinVar (database versions not stated): gnomAD 0.00001; gnomAD exomes 0.00001; TOPMed 0.00001; ExAC 0.00002.
gnomAD v4.1: 5 of 1,606,664 alleles (0.00031%); highest among the groups gnomAD compares: Non-Finnish European, 0.00042%; no homozygotes.

Submissions (4):

Labcorp Genetics (formerly Invitae), Labcorp
Classification: Likely pathogenic for Fanconi anemia. Last evaluated: 2023-09-04. Review status: criteria provided, single submitter. Criteria: Invitae Variant Classification Sherloc (09022015). Collection method: clinical testing. Allele origin: germline.
Comment: This sequence change affects an acceptor splice site in intron 1 of the FANCG gene. It is expected to disrupt RNA splicing. Variants that disrupt the donor or acceptor splice site typically lead to a loss of protein function (PMID: 16199547), and loss-of-function variants in FANCG are known to be pathogenic (PMID: 12552564). This variant is present in population databases (rs759590778, gnomAD 0.002%). Disruption of this splice site has been observed in individual(s) with clinical features of Fanconi anemia (PMID: 27041517). ClinVar contains an entry for this variant (Variation ID: 667395). Algorithms developed to predict the effect of sequence changes on RNA splicing suggest that this variant may disrupt the consensus splice site. In summary, the currently available evidence indicates that the variant is pathogenic, but additional data are needed to prove that conclusively. Therefore, this variant has been classified as Likely Pathogenic.

Baylor Genetics
Classification: Pathogenic for Fanconi anemia complementation group G. Last evaluated: 2023-07-06. Review status: criteria provided, single submitter. Criteria: ACMG Guidelines, 2015. Collection method: clinical testing. Allele origin: unknown.

Blueprint Genetics
Classification: Pathogenic for FANCG-related disorders. Last evaluated: 2021-06-03. Review status: criteria provided, single submitter. Criteria: ACMG Guidelines, 2015. Collection method: clinical testing. Allele origin: germline. Affected: yes. Observed: 2 variant alleles.

Laboratory for Molecular Medicine, Mass General Brigham Personalized Medicine
Classification: Pathogenic for Fanconi anemia. Last evaluated: 2017-11-15. Review status: criteria provided, single submitter. Criteria: LMM Criteria. Collection method: clinical testing. Allele origin: germline. Inheritance: Autosomal recessive inheritance. Observed: 1 variant allele.
Comment: The c.85-2A>T (NM_004629.1) variant in FANCG has been previously reported in 1 c ompound heterozygous individual with Fanconi anemia (Esmail Nia 2016). It has be en identified in 2/104882 of European chromosomes by the Genome Aggregation Data base (gnomAD; dbSNP rs759590778). Although thi s variant has been seen in the general population, its frequency is low enough t o be consistent with a recessive carrier frequency. This variant occurs in the i nvariant region (+/- 1,2) of the splice consensus sequence and is predicted to c ause altered splicing leading to an abnormal or absent protein. Biallelic loss o f function of the FANCG gene is associated with Fanconi anemia. In summary, the c.85-2A>T variant meets criteria to be classified as pathogenic for Fanconi anem ia in an autosomal recessive manner based on its predicted impact to the protein and its occurrence in an individual with this disease. ACMG/AMP Criteria applie d: PVS1, PM2, PM3.

Literature cited by the submitters: PubMed 16199547 (cited by Labcorp Genetics (formerly Invitae), Labcorp); PubMed 12552564 (cited by Labcorp Genetics (formerly Invitae), Labcorp); PubMed 27041517 (cited by Labcorp Genetics (formerly Invitae), Labcorp and Laboratory for Molecular Medicine, Mass General Brigham Personalized Medicine).